The following is an entry in ClinVar:

ClinVar aggregate classification (germline): Uncertain significance. Review status: criteria provided, multiple submitters, no conflicts (2 of 4 stars). 3 submissions from 3 submitters: Uncertain significance (3). Last evaluated 2024-10-09.

gnomAD v4.1: 3 of 1,614,188 alleles (0.00019%); highest among the groups gnomAD compares: Middle Eastern, 0.016%; no homozygotes.

Submissions (3):

Ambry Genetics
Classification: Uncertain significance. Last evaluated: 2024-10-09. Review status: criteria provided, single submitter. Criteria: Ambry Variant Classification Scheme 2023. Collection method: clinical testing. Allele origin: germline.

Blueprint Genetics
Classification: Uncertain significance. Last evaluated: 2024-09-20. Review status: criteria provided, single submitter. Criteria: ACMG Guidelines, 2015. Collection method: clinical testing. Allele origin: germline.

Labcorp Genetics (formerly Invitae), Labcorp
Classification: Uncertain significance. Last evaluated: 2022-01-13. Review status: criteria provided, single submitter. Criteria: Invitae Variant Classification Sherloc (09022015). Collection method: clinical testing. Allele origin: germline.
Comment: This sequence change replaces glycine, which is neutral and non-polar, with arginine, which is basic and polar, at codon 109 of the SLC7A14 protein (p.Gly109Arg). This variant is present in population databases (rs754524760, gnomAD 0.0009%). This variant has not been reported in the literature in individuals affected with SLC7A14-related conditions. Algorithms developed to predict the effect of missense changes on protein structure and function are either unavailable or do not agree on the potential impact of this missense change (SIFT: "Deleterious"; PolyPhen-2: "Probably Damaging"; Align-GVGD: "Class C0"). In summary, the available evidence is currently insufficient to determine the role of this variant in disease. Therefore, it has been classified as a Variant of Uncertain Significance.

NM_020949.3(SLC7A14):c.325G>C (p.Gly109Arg)

Genes: SLC7A14 (solute carrier family 7 member 14; minus strand), SLC7A14-AS1 (SLC7A14 antisense RNA 1; plus strand). Cytogenetic location: 3q26.2.
Variant type: single nucleotide variant.
Coding change: c.325G>C on transcript NM_020949.3 (MANE Select); coding-DNA position 325, G replaced by C.
Protein change: p.Gly109Arg; replaces glycine 109 with arginine.
Molecular consequence: missense variant.
Genome position (GRCh38, 1-based): chr3:170,501,325, C>G on the plus strand (G>C on the coding strand, the complement: SLC7A14 is on the minus strand). VCF-style: chr3-170501325-C-G. GRCh37 (hg19) VCF-style: chr3-170219114-C-G.
Other names: c.325G>C (NM_020949.2); short protein forms G109R.
Identifiers: ClinVar variation 1500287 (VCV001500287.10), dbSNP rs754524760, ClinGen allele CA2701950.